The following is an entry in ClinVar:

ClinVar aggregate classification (germline): Likely benign (1 of 4 stars; one submission).

Conditions:
Tuberous sclerosis 2 (TSC2). Identifiers: Orphanet 805, MedGen C1860707, MONDO:0013199, OMIM 613254.

Submission:

Myriad Genetics, Inc.
Classification: Likely benign for Tuberous sclerosis 2. Last evaluated: 2025-06-03. Review status: criteria provided, single submitter. Criteria: Myriad Autosomal Dominant, Autosomal Recessive and X-Linked Classification Criteria (2023). Collection method: clinical testing. Allele origin: unknown.
Comment: This variant is considered likely benign. This variant is intronic and is not expected to impact mRNA splicing.

NM_000548.5(TSC2):c.4494-17A>G

Gene: TSC2 (TSC complex subunit 2; plus strand). Cytogenetic location: 16p13.3.
Variant type: single nucleotide variant.
Coding change: c.4494-17A>G on transcript NM_000548.5 (MANE Select); 17 bases into the intron before coding-DNA position 4494, A replaced by G.
Molecular consequence: intron variant.
Genome position (GRCh38, 1-based): chr16:2,084,934, A>G. VCF-style: chr16-2084934-A-G. GRCh37 (hg19) VCF-style: chr16-2134935-A-G.
Other names: c.2952-17A>G (NM_001406693.1, NM_001406692.1, NM_001406694.1); c.4386-17A>G (NM_001406667.1); c.4383-17A>G (NM_001406668.1); c.3894-17A>G (NM_001406680.1); c.3825-17A>G (NM_001406683.1, NM_001406682.1); c.3693-17A>G (NM_001406687.1, NM_001406688.1); c.3081-17A>G (NM_001406689.1); c.3021-17A>G (NM_001406690.1); and 26 more.
Identifiers: ClinVar variation 4071457 (VCV004071457.1).
Genomic context (GRCh38, chr16:2,084,934, plus strand): 5'-TCTGTGTTCCTCCCTGTGGGCTGTGGCTGCCCTGGCCAGGCCCTCACCTGGGTGCCCACC[A>G]TCCCCTCCCTGTGCAGTTTCGTGTTCCTGCAGCTCTACCATTCCCCCTTCTTTGGCGACG-3'